The following is an entry in ClinVar:

ClinVar aggregate classification (germline): Uncertain significance (1 of 4 stars; one submission).

Conditions:
GNAS-related disorder. Identifiers: MedGen CN380105.

Submission:

PreventionGenetics, part of Exact Sciences
Classification: Uncertain significance for GNAS-related condition. Last evaluated: 2025-01-29. Review status: criteria provided, single submitter. Criteria: ACMG Guidelines, 2015. Collection method: clinical testing. Allele origin: germline.
Comment: The GNAS c.840-10C>G variant is predicted to interfere with splicing. To our knowledge, this variant has not been reported in the literature or in a large population database (gnomAD), indicating this variant is rare. However, the use of computer prediction programs is not equivalent to functional evidence, and therefore the clinical significance of this variant is uncertain.

NM_000516.7(GNAS):c.840-10C>G

Gene: GNAS (GNAS complex locus; plus strand). Cytogenetic location: 20q13.32.
Variant type: single nucleotide variant.
Coding change: c.840-10C>G on transcript NM_000516.7 (MANE Select); 10 bases into the intron before coding-DNA position 840, C replaced by G.
Molecular consequence: intron variant.
Genome position (GRCh38, 1-based): chr20:58,909,941, C>G. VCF-style: chr20-58909941-C-G. GRCh37 (hg19) VCF-style: chr20-57484996-C-G.
Other names: c.*746-10C>G (NM_016592.5); c.744-10C>G (NM_001410912.1); c.663-10C>G (NM_001309861.2, NM_001439291.1, NM_001309840.2 and 1 more transcripts); c.*701-10C>G (NM_001077490.3); c.2769-10C>G (NM_080425.4); c.2724-10C>G (NM_001410913.1); c.618-10C>G (NM_001438273.1, NM_001438274.1, NM_001438275.1); c.843-10C>G (NM_001077488.5); and 2 more.
Identifiers: ClinVar variation 4999691 (VCV004999691.1).